The following is an entry in ClinVar:

NM_005228.5(EGFR):c.926G>A (p.Arg309Gln)

Gene: EGFR (epidermal growth factor receptor; plus strand). Cytogenetic location: 7p11.2.
Variant type: single nucleotide variant.
Coding change: c.926G>A on transcript NM_005228.5 (MANE Select); coding-DNA position 926, G replaced by A.
Protein change: p.Arg309Gln; replaces arginine 309 with glutamine.
Molecular consequence: missense variant.
Genome position (GRCh38, 1-based): chr7:55,155,866, G>A. VCF-style: chr7-55155866-G-A. GRCh37 (hg19) VCF-style: chr7-55223559-G-A.
Other names: c.926G>A (NM_005228.3); c.791G>A, p.Arg264Gln (NM_001346897.2, NM_001346899.2); c.926G>A, p.Arg309Gln (NM_001346898.2, NM_201282.2, NM_201283.2 and 1 more transcripts); c.767G>A, p.Arg256Gln (NM_001346900.2); c.125G>A, p.Arg42Gln (NM_001346941.2); short protein forms R264Q, R42Q, R256Q, R309Q.
Identifiers: ClinVar variation 1046621 (VCV001046621.7), dbSNP rs1785385514, ClinGen allele CA367577992.

ClinVar aggregate classification (germline): Uncertain significance. Review status: criteria provided, multiple submitters, no conflicts (2 of 4 stars). 2 submissions from 2 submitters: Uncertain significance (2). Last evaluated 2026-05-15.

Conditions:
Hereditary cancer-predisposing syndrome. Also called: Hereditary neoplastic syndrome; Neoplastic Syndromes, Hereditary; Tumor predisposition; Hereditary Cancer Syndrome. Identifiers: Orphanet 140162, MedGen C0027672, MeSH D009386, MONDO:0015356.
EGFR-related lung cancer (EGFR). Identifiers: MedGen CN130014.

Allele frequency attached by ClinVar (database versions not stated): gnomAD exomes below 0.00001.
gnomAD v4.1: 1 of 1,613,936 alleles (0.000062%); highest among the groups gnomAD compares: Non-Finnish European, 0.000085%; no homozygotes.

Submissions (2):

Ambry Genetics
Classification: Uncertain significance for Hereditary cancer-predisposing syndrome. Last evaluated: 2026-05-15. Review status: criteria provided, single submitter. Criteria: Ambry Variant Classification Scheme 2023. Collection method: clinical testing. Allele origin: germline.
Comment: The p.R309Q variant (also known as c.926G>A), located in coding exon 8 of the EGFR gene, results from a G to A substitution at nucleotide position 926. The arginine at codon 309 is replaced by glutamine, an amino acid with highly similar properties. This amino acid position is highly conserved in available vertebrate species. In addition, this alteration is predicted to be deleterious by in silico analysis. Based on the available evidence, the clinical significance of this variant remains unclear.

Labcorp Genetics (formerly Invitae), Labcorp
Classification: Uncertain significance for EGFR-related lung cancer. Last evaluated: 2021-08-31. Review status: criteria provided, single submitter. Criteria: Invitae Variant Classification Sherloc (09022015). Collection method: clinical testing. Allele origin: germline.
Comment: This sequence change replaces arginine with glutamine at codon 309 of the EGFR protein (p.Arg309Gln). The arginine residue is highly conserved and there is a small physicochemical difference between arginine and glutamine. This variant is not present in population databases (ExAC no frequency). This variant has not been reported in the literature in individuals affected with EGFR-related conditions. Algorithms developed to predict the effect of missense changes on protein structure and function (SIFT, PolyPhen-2, Align-GVGD) all suggest that this variant is likely to be disruptive. In summary, the available evidence is currently insufficient to determine the role of this variant in disease. Therefore, it has been classified as a Variant of Uncertain Significance.